The following is an entry in ClinVar:

NM_001029896.2(WDR45):c.940C>T (p.Arg314Cys)

Gene: WDR45 (WD repeat domain 45; minus strand). Cytogenetic location: Xp11.23.
Variant type: single nucleotide variant.
Coding change: c.940C>T on transcript NM_001029896.2 (MANE Select); coding-DNA position 940, C replaced by T.
Protein change: p.Arg314Cys; replaces arginine 314 with cysteine.
Molecular consequence: missense variant.
Genome position (GRCh38, 1-based): chrX:49,075,169, G>A on the plus strand (C>T on the coding strand, the complement: WDR45 is on the minus strand). VCF-style: chrX-49075169-G-A. GRCh37 (hg19) VCF-style: chrX-48932828-G-A.
Other names: c.943C>T, p.Arg315Cys (NM_007075.4); short protein forms R314C, R315C.
Identifiers: ClinVar variation 1312478 (VCV001312478.6), dbSNP rs1307990056, ClinGen allele CA412941943.

ClinVar aggregate classification (germline): Uncertain significance. Review status: criteria provided, multiple submitters, no conflicts (2 of 4 stars). 2 submissions from 2 submitters: Uncertain significance (2). Last evaluated 2025-06-27.

Conditions:
Neurodegeneration with brain iron accumulation 5 (NBIA5). Also called: STATIC ENCEPHALOPATHY OF CHILDHOOD WITH NEURODEGENERATION IN ADULTHOOD; Beta-propeller protein-associated neurodegeneration. Identifiers: Orphanet 329284, MedGen C3550973, MONDO:0010476, OMIM 300894.

Submissions (2):

Labcorp Genetics (formerly Invitae), Labcorp
Classification: Uncertain significance for Neurodegeneration with brain iron accumulation 5. Last evaluated: 2025-06-27. Review status: criteria provided, single submitter. Criteria: Invitae Variant Classification Sherloc (09022015). Collection method: clinical testing. Allele origin: germline.
Comment: This sequence change replaces arginine, which is basic and polar, with cysteine, which is neutral and slightly polar, at codon 315 of the WDR45 protein (p.Arg315Cys). This variant is not present in population databases (gnomAD no frequency). This variant has not been reported in the literature in individuals affected with WDR45-related conditions. ClinVar contains an entry for this variant (Variation ID: 1312478). Invitae Evidence Modeling of protein sequence and biophysical properties (such as structural, functional, and spatial information, amino acid conservation, physicochemical variation, residue mobility, and thermodynamic stability) indicates that this missense variant is not expected to disrupt WDR45 protein function with a negative predictive value of 80%. In summary, the available evidence is currently insufficient to determine the role of this variant in disease. Therefore, it has been classified as a Variant of Uncertain Significance.

GeneDx
Classification: Uncertain significance. Last evaluated: 2019-09-25. Review status: criteria provided, single submitter. Criteria: GeneDx Variant Classification Process June 2021. Collection method: clinical testing. Allele origin: germline. Affected: yes.
Comment: Not observed in large population cohorts (Lek et al., 2016); In silico analysis, which includes protein predictors and evolutionary conservation, supports that this variant does not alter protein structure/function; Has not been previously published as pathogenic or benign to our knowledge